The following is an entry in ClinVar:

NM_000179.3(MSH6):c.371G>A (p.Gly124Glu)

Gene: MSH6 (mutS homolog 6; plus strand). Cytogenetic location: 2p16.3.
Variant type: single nucleotide variant.
Coding change: c.371G>A on transcript NM_000179.3 (MANE Select); coding-DNA position 371, G replaced by A.
Protein change: p.Gly124Glu; replaces glycine 124 with glutamic acid.
Molecular consequence: missense variant. On other transcripts: 5 prime UTR variant (2), intron variant (1).
Genome position (GRCh38, 1-based): chr2:47,791,037, G>A. VCF-style: chr2-47791037-G-A. GRCh37 (hg19) VCF-style: chr2-48018176-G-A.
Other names: c.-366G>A (NM_001281493.2); c.-532G>A (NM_001281494.2); c.237+7567G>A (NM_001281492.2); short protein forms G124E.
Identifiers: ClinVar variation 485858 (VCV000485858.15), dbSNP rs1553410286, ClinGen allele CA346737028.

ClinVar aggregate classification (germline): Uncertain significance. Review status: criteria provided, multiple submitters, no conflicts (2 of 4 stars). 2 submissions from 2 submitters: Uncertain significance (2). Last evaluated 2024-06-09.

Conditions:
Hereditary nonpolyposis colorectal neoplasms. Identifiers: MedGen C0009405, MeSH D003123.
Hereditary cancer-predisposing syndrome. Also called: Tumor predisposition; Hereditary Cancer Syndrome; Hereditary neoplastic syndrome; Neoplastic Syndromes, Hereditary. Identifiers: Orphanet 140162, MedGen C0027672, MeSH D009386, MONDO:0015356.

Allele frequency attached by ClinVar (database versions not stated): gnomAD exomes below 0.00001; TOPMed below 0.00001; gnomAD 0.00001.
gnomAD v4.1: 5 of 1,614,070 alleles (0.00031%); highest among the groups gnomAD compares: Non-Finnish European, 0.00042%; no homozygotes.

Submissions (2):

Ambry Genetics
Classification: Uncertain significance for Hereditary cancer-predisposing syndrome. Last evaluated: 2024-06-09. Review status: criteria provided, single submitter. Criteria: Ambry Variant Classification Scheme 2023. Collection method: clinical testing. Allele origin: germline.
Comment: The p.G124E variant (also known as c.371G>A), located in coding exon 2 of the MSH6 gene, results from a G to A substitution at nucleotide position 371. The glycine at codon 124 is replaced by glutamic acid, an amino acid with similar properties. This amino acid position is highly conserved in available vertebrate species. In addition, this alteration is predicted to be deleterious by in silico analysis. Since supporting evidence is limited at this time, the clinical significance of this alteration remains unclear.

Labcorp Genetics (formerly Invitae), Labcorp
Classification: Uncertain significance for Hereditary nonpolyposis colorectal neoplasms. Last evaluated: 2022-08-16. Review status: criteria provided, single submitter. Criteria: Invitae Variant Classification Sherloc (09022015). Collection method: clinical testing. Allele origin: germline.
Comment: In summary, the available evidence is currently insufficient to determine the role of this variant in disease. Therefore, it has been classified as a Variant of Uncertain Significance. Algorithms developed to predict the effect of missense changes on protein structure and function are either unavailable or do not agree on the potential impact of this missense change (SIFT: "Tolerated"; PolyPhen-2: "Probably Damaging"; Align-GVGD: "Class C0"). ClinVar contains an entry for this variant (Variation ID: 485858). This variant has not been reported in the literature in individuals affected with MSH6-related conditions. This variant is not present in population databases (gnomAD no frequency). This sequence change replaces glycine, which is neutral and non-polar, with glutamic acid, which is acidic and polar, at codon 124 of the MSH6 protein (p.Gly124Glu).